The following is an entry in ClinVar:

ClinVar aggregate classification (germline): Uncertain significance (1 of 4 stars; one submission).

Conditions:
Bloom syndrome (BLM). Also called: Bloom-Torre-Machacek syndrome. Identifiers: Orphanet 125, MedGen C0005859, MONDO:0008876, OMIM 210900.

Submission:

Labcorp Genetics (formerly Invitae), Labcorp
Classification: Uncertain significance for Bloom syndrome. Last evaluated: 2021-08-26. Review status: criteria provided, single submitter. Criteria: Invitae Variant Classification Sherloc (09022015). Collection method: clinical testing. Allele origin: germline.
Comment: This sequence change replaces isoleucine with methionine at codon 1005 of the BLM protein (p.Ile1005Met). The isoleucine residue is highly conserved and there is a small physicochemical difference between isoleucine and methionine. This variant is not present in population databases (ExAC no frequency). This variant has not been reported in the literature in individuals affected with BLM-related conditions. Algorithms developed to predict the effect of missense changes on protein structure and function are either unavailable or do not agree on the potential impact of this missense change (SIFT: "Deleterious"; PolyPhen-2: "Probably Damaging"; Align-GVGD: "Class C0"). In summary, the available evidence is currently insufficient to determine the role of this variant in disease. Therefore, it has been classified as a Variant of Uncertain Significance.

NM_000057.4(BLM):c.3015A>G (p.Ile1005Met)

Gene: BLM (BLM RecQ like helicase; plus strand). Cytogenetic location: 15q26.1.
Variant type: single nucleotide variant.
Coding change: c.3015A>G on transcript NM_000057.4 (MANE Select); coding-DNA position 3015, A replaced by G.
Protein change: p.Ile1005Met; replaces isoleucine 1005 with methionine.
Molecular consequence: missense variant.
Genome position (GRCh38, 1-based): chr15:90,790,840, A>G. VCF-style: chr15-90790840-A-G. GRCh37 (hg19) VCF-style: chr15-91334070-A-G.
Other names: c.3015A>G, p.Ile1005Met (NM_001287246.2, NM_001287247.2); c.1890A>G, p.Ile630Met (NM_001287248.2); short protein forms I1005M, I630M.
Identifiers: ClinVar variation 571736 (VCV000571736.6), dbSNP rs1567056762, ClinGen allele CA393846620.